The following is an entry in ClinVar:

NM_014159.7(SETD2):c.916G>A (p.Gly306Ser)

Gene: SETD2 (SET domain containing 2, histone lysine methyltransferase; minus strand). Cytogenetic location: 3p21.31.
Variant type: single nucleotide variant.
Coding change: c.916G>A on transcript NM_014159.7 (MANE Select); coding-DNA position 916, G replaced by A.
Protein change: p.Gly306Ser; replaces glycine 306 with serine.
Molecular consequence: missense variant. On other transcripts: non-coding transcript variant (1).
Genome position (GRCh38, 1-based): chr3:47,123,720, C>T on the plus strand (G>A on the coding strand, the complement: SETD2 is on the minus strand). VCF-style: chr3-47123720-C-T. GRCh37 (hg19) VCF-style: chr3-47165210-C-T.
Other names: c.784G>A, p.Gly262Ser (NM_001349370.3); short protein forms G262S, G306S.
Identifiers: ClinVar variation 1337046 (VCV001337046.11), dbSNP rs956929386, ClinGen allele CA73811960.
Genomic context (GRCh38, chr3:47,123,720, plus strand): 5'-CTTCATCAGATTCTGAACCAAGAAAGATGCCTTCAGATTGTGAGGATTTCTTCTTAGAAC[C>T]TGTTTTTTTACAGCTCAGACTAATCTTAGAACTATCTGGAATTTCTTCATCCTTCCCAAT-3'
Protein context (NP_054878.5, residues 296-316): SKISLSCKKT[Gly306Ser]SKKKSSQSEG

ClinVar aggregate classification (germline): Uncertain significance. Review status: criteria provided, multiple submitters, no conflicts (2 of 4 stars). 4 submissions from 4 submitters: Uncertain significance (4). Last evaluated 2024-07-18.

Conditions:
Luscan-Lumish syndrome. Identifiers: Orphanet 597738, MedGen C4085873, MONDO:0014791, OMIM 616831.

Allele frequency attached by ClinVar (database versions not stated): gnomAD exomes below 0.00001; gnomAD 0.00001; TOPMed 0.00001.
gnomAD v4.1: 2 of 1,551,148 alleles (0.00013%); highest among the groups gnomAD compares: African/African-American, 0.0014%; no homozygotes.

Submissions (4):

Women's Health and Genetics/Laboratory Corporation of America, LabCorp
Classification: Uncertain significance. Last evaluated: 2024-07-18. Review status: criteria provided, single submitter. Criteria: LabCorp Variant Classification Summary - May 2015. Collection method: clinical testing. Allele origin: germline.
Comment: Variant summary: SETD2 c.916G>A (p.Gly306Ser) results in a non-conservative amino acid change in the encoded protein sequence. Four of five in-silico tools predict a benign effect of the variant on protein function. The variant was absent in 156098 control chromosomes. The available data on variant occurrences in the general population are insufficient to allow any conclusion about variant significance. To our knowledge, no occurrence of c.916G>A in individuals affected with Luscan-Lumish Syndrome and no experimental evidence demonstrating its impact on protein function have been reported. ClinVar contains an entry for this variant (Variation ID: 1337046). Based on the evidence outlined above, the variant was classified as uncertain significance.

Labcorp Genetics (formerly Invitae), Labcorp
Classification: Uncertain significance for Luscan-Lumish syndrome. Last evaluated: 2024-05-15. Review status: criteria provided, single submitter. Criteria: Invitae Variant Classification Sherloc (09022015). Collection method: clinical testing. Allele origin: germline.
Comment: This sequence change replaces glycine, which is neutral and non-polar, with serine, which is neutral and polar, at codon 306 of the SETD2 protein (p.Gly306Ser). This variant is not present in population databases (gnomAD no frequency). This variant has not been reported in the literature in individuals affected with SETD2-related conditions. ClinVar contains an entry for this variant (Variation ID: 1337046). Algorithms developed to predict the effect of missense changes on protein structure and function output the following: SIFT: "Not Available"; PolyPhen-2: "Benign"; Align-GVGD: "Not Available". The serine amino acid residue is found in multiple mammalian species, which suggests that this missense change does not adversely affect protein function. In summary, the available evidence is currently insufficient to determine the role of this variant in disease. Therefore, it has been classified as a Variant of Uncertain Significance.

Genome-Nilou Lab
Classification: Uncertain significance for Luscan-Lumish syndrome. Last evaluated: 2022-03-15. Review status: criteria provided, single submitter. Criteria: ACMG Guidelines, 2015. Collection method: clinical testing. Allele origin: germline. Affected: no.

Genetic Services Laboratory, University of Chicago
Classification: Uncertain significance. Last evaluated: 2019-02-18. Review status: criteria provided, single submitter. Criteria: ACMG Guidelines, 2015. Collection method: clinical testing. Allele origin: germline. Affected: no.